The following is an entry in ClinVar:

NM_006282.5(STK4):c.694-4C>G

Gene: STK4 (serine/threonine kinase 4; plus strand). Cytogenetic location: 20q13.12.
Variant type: single nucleotide variant.
Coding change: c.694-4C>G on transcript NM_006282.5 (MANE Select); 4 bases into the intron before coding-DNA position 694, C replaced by G.
Molecular consequence: intron variant.
Genome position (GRCh38, 1-based): chr20:44,997,165, C>G. VCF-style: chr20-44997165-C-G. GRCh37 (hg19) VCF-style: chr20-43625806-C-G.
Other names: c.694-4C>G (NM_001352385.2).
Identifiers: ClinVar variation 851732 (VCV000851732.4), dbSNP rs922185959, ClinGen allele CA315489855.

ClinVar aggregate classification (germline): Uncertain significance (1 of 4 stars; one submission).

Conditions:
Combined immunodeficiency due to STK4 deficiency (IMD110). Also called: T-cell immunodeficiency, recurrent infections, and autoimmunity with or without cardiac malformations; STK4 DEFICIENCY; MST1 DEFICIENCY. Identifiers: Orphanet 314689, MedGen C3553943, MONDO:0013934, OMIM 614868.

Allele frequency attached by ClinVar (database versions not stated): gnomAD exomes below 0.00001 and 0.00006; gnomAD 0.00003 and 0.00004; TOPMed 0.00003.
gnomAD v4.1: 92 of 1,613,396 alleles (0.0057%); highest among the groups gnomAD compares: Non-Finnish European, 0.0074%; no homozygotes.

Submission:

Labcorp Genetics (formerly Invitae), Labcorp
Classification: Uncertain significance for Combined immunodeficiency due to STK4 deficiency. Last evaluated: 2023-08-24. Review status: criteria provided, single submitter. Criteria: Invitae Variant Classification Sherloc (09022015). Collection method: clinical testing. Allele origin: germline.
Comment: In summary, the available evidence is currently insufficient to determine the role of this variant in disease. Therefore, it has been classified as a Variant of Uncertain Significance. Algorithms developed to predict the effect of sequence changes on RNA splicing suggest that this variant may create or strengthen a splice site. ClinVar contains an entry for this variant (Variation ID: 851732). This variant has not been reported in the literature in individuals affected with STK4-related conditions. This variant is present in population databases (no rsID available, gnomAD 0.002%). This sequence change falls in intron 6 of the STK4 gene. It does not directly change the encoded amino acid sequence of the STK4 protein.